The following is an entry in ClinVar:

NM_000548.5(TSC2):c.4999A>G (p.Asn1667Asp)

Gene: TSC2 (TSC complex subunit 2; plus strand). Cytogenetic location: 16p13.3.
Variant type: single nucleotide variant.
Coding change: c.4999A>G on transcript NM_000548.5 (MANE Select); coding-DNA position 4999, A replaced by G.
Protein change: p.Asn1667Asp; replaces asparagine 1667 with aspartic acid.
Molecular consequence: missense variant.
Genome position (GRCh38, 1-based): chr16:2,087,872, A>G. VCF-style: chr16-2087872-A-G. GRCh37 (hg19) VCF-style: chr16-2137873-A-G.
Other names: c.4798A>G, p.Asn1600Asp (NM_001077183.3); c.4930A>G, p.Asn1644Asp (NM_001114382.3); c.4690A>G, p.Asn1564Asp (NM_001318827.2); c.4654A>G, p.Asn1552Asp (NM_001318829.2); c.4267A>G, p.Asn1423Asp (NM_001318831.2); c.4831A>G, p.Asn1611Asp (NM_001318832.2); c.4801A>G, p.Asn1601Asp (NM_001363528.2); c.4867A>G, p.Asn1623Asp (NM_001370404.1); and 1 more; short protein forms N1667D, N1601D, N1624D, N1644D, N1423D, N1552D, N1564D, N1600D.
Identifiers: ClinVar variation 566248 (VCV000566248.13), dbSNP rs1182240785, ClinGen allele CA394310996.

ClinVar aggregate classification (germline): Conflicting classifications of pathogenicity. Review status: criteria provided, conflicting classifications (1 of 4 stars). 4 submissions from 4 submitters: Uncertain significance (3); Likely benign (1). Last evaluated 2025-10-14.

Conditions:
Tuberous sclerosis 2 (TSC2). Identifiers: Orphanet 805, MedGen C1860707, MONDO:0013199, OMIM 613254.
Hereditary cancer-predisposing syndrome. Also called: Neoplastic Syndromes, Hereditary; Tumor predisposition; Hereditary Cancer Syndrome; Hereditary neoplastic syndrome. Identifiers: Orphanet 140162, MedGen C0027672, MeSH D009386, MONDO:0015356.
Isolated focal cortical dysplasia type II (FCORD2). Also called: CORTICAL DYSPLASIA OF TAYLOR; Focal cortical dysplasia type II. Identifiers: Orphanet 268994, MedGen C1846385, MONDO:0011818, OMIM 607341, HP:0032051.

Allele frequency attached by ClinVar (database versions not stated): gnomAD exomes 0.00001; TOPMed 0.00001.
gnomAD v4.1: 6 of 1,612,794 alleles (0.00037%); highest among the groups gnomAD compares: Non-Finnish European, 0.00051%; no homozygotes.

Submissions (4):

Labcorp Genetics (formerly Invitae), Labcorp
Classification: Likely benign for Tuberous sclerosis 2. Last evaluated: 2025-10-14. Review status: criteria provided, single submitter. Criteria: Invitae Variant Classification Sherloc (09022015). Collection method: clinical testing. Allele origin: germline.

GeneDx
Classification: Uncertain significance. Last evaluated: 2024-02-28. Review status: criteria provided, single submitter. Criteria: GeneDx Variant Classification Process June 2021. Collection method: clinical testing. Allele origin: germline. Affected: yes.
Comment: Not observed at significant frequency in large population cohorts (gnomAD); In silico analysis supports that this missense variant has a deleterious effect on protein structure/function; Has not been previously published as pathogenic or benign to our knowledge; This variant is associated with the following publications: (PMID: 18466115)

Ambry Genetics
Classification: Uncertain significance for Hereditary cancer-predisposing syndrome. Last evaluated: 2023-11-21. Review status: criteria provided, single submitter. Criteria: Ambry Variant Classification Scheme 2023. Collection method: clinical testing. Allele origin: germline.
Comment: The p.N1667D variant (also known as c.4999A>G), located in coding exon 38 of the TSC2 gene, results from an A to G substitution at nucleotide position 4999. The asparagine at codon 1667 is replaced by aspartic acid, an amino acid with highly similar properties. This amino acid position is highly conserved in available vertebrate species. In addition, this alteration is predicted to be deleterious by in silico analysis. Since supporting evidence is limited at this time, the clinical significance of this alteration remains unclear.

Baylor Genetics
Classification: Uncertain significance for Isolated focal cortical dysplasia type II. Last evaluated: 2023-07-01. Review status: criteria provided, single submitter. Criteria: ACMG Guidelines, 2015. Collection method: clinical testing. Allele origin: unknown.